The following is an entry in ClinVar:

ClinVar aggregate classification (germline): Uncertain significance. Review status: criteria provided, multiple submitters, no conflicts (2 of 4 stars). 3 submissions from 3 submitters: Uncertain significance (3). Last evaluated 2024-12-12.

Conditions:
Hereditary cancer-predisposing syndrome. Also called: Hereditary Cancer Syndrome; Neoplastic Syndromes, Hereditary; Tumor predisposition; Hereditary neoplastic syndrome. Identifiers: Orphanet 140162, MedGen C0027672, MeSH D009386, MONDO:0015356.
Familial cancer of breast. Also called: Hereditary breast cancer; BREAST CANCER, FAMILIAL; hereditary breast carcinoma. Identifiers: Orphanet 227535, MedGen C0346153, MONDO:0016419, OMIM 114480. Disease mechanism: loss of function.

gnomAD v4.1: 7 of 1,614,050 alleles (0.00043%); highest among the groups gnomAD compares: East Asian, 0.0022%; no homozygotes.

Submissions (3):

Labcorp Genetics (formerly Invitae), Labcorp
Classification: Uncertain significance for Familial cancer of breast. Last evaluated: 2024-12-12. Review status: criteria provided, single submitter. Criteria: Invitae Variant Classification Sherloc (09022015). Collection method: clinical testing. Allele origin: germline.
Comment: This sequence change replaces histidine, which is basic and polar, with asparagine, which is neutral and polar, at codon 499 of the BARD1 protein (p.His499Asn). This variant is not present in population databases (gnomAD no frequency). This variant has not been reported in the literature in individuals affected with BARD1-related conditions. ClinVar contains an entry for this variant (Variation ID: 490934). An algorithm developed to predict the effect of missense changes on protein structure and function (PolyPhen-2) suggests that this variant is likely to be disruptive. In summary, the available evidence is currently insufficient to determine the role of this variant in disease. Therefore, it has been classified as a Variant of Uncertain Significance.

Ambry Genetics
Classification: Uncertain significance for Hereditary cancer-predisposing syndrome. Last evaluated: 2023-12-29. Review status: criteria provided, single submitter. Criteria: Ambry Variant Classification Scheme 2023. Collection method: clinical testing. Allele origin: germline.
Comment: The p.H499N variant (also known as c.1495C>A), located in coding exon 6 of the BARD1 gene, results from a C to A substitution at nucleotide position 1495. The histidine at codon 499 is replaced by asparagine, an amino acid with similar properties. This amino acid position is highly conserved in available vertebrate species. In addition, the in silico prediction for this alteration is inconclusive. Since supporting evidence is limited at this time, the clinical significance of this alteration remains unclear.

Color Diagnostics, LLC DBA Color Health
Classification: Uncertain significance for Hereditary cancer-predisposing syndrome. Last evaluated: 2022-06-28. Review status: criteria provided, single submitter. Criteria: ACMG Guidelines, 2015. Collection method: clinical testing. Allele origin: germline.
Comment: This missense variant replaces histidine with asparagine at codon 499 of the BARD1 protein. Computational prediction suggests that this variant may have deleterious impact on protein structure and function (internally defined REVEL score threshold >= 0.7, PMID: 27666373). To our knowledge, functional studies have not been reported for this variant. This variant has been reported in a pancreatic cancer case-control study in 1/23705 unaffected individuals and absent in 1005 cases (PMID: 32980694). This variant has not been identified in the general population by the Genome Aggregation Database (gnomAD). The available evidence is insufficient to determine the role of this variant in disease conclusively. Therefore, this variant is classified as a Variant of Uncertain Significance.

Literature cited by the submitters: PubMed 32980694 (cited by Color Diagnostics, LLC DBA Color Health).

NM_000465.4(BARD1):c.1495C>A (p.His499Asn)

Gene: BARD1 (BRCA1 associated RING domain 1; minus strand). Cytogenetic location: 2q35.
Variant type: single nucleotide variant.
Coding change: c.1495C>A on transcript NM_000465.4 (MANE Select); coding-DNA position 1495, C replaced by A.
Protein change: p.His499Asn; replaces histidine 499 with asparagine.
Molecular consequence: missense variant. On other transcripts: non-coding transcript variant (3), intron variant (3).
Genome position (GRCh38, 1-based): chr2:214,767,555, G>T on the plus strand (C>A on the coding strand, the complement: BARD1 is on the minus strand). VCF-style: chr2-214767555-G-T. GRCh37 (hg19) VCF-style: chr2-215632279-G-T.
Other names: c.1438C>A, p.His480Asn (NM_001282543.2); c.159-15000C>A (NM_001282548.2); c.216-15000C>A (NM_001282545.2); c.364+24742C>A (NM_001282549.2); short protein forms H499N, H480N.
Identifiers: ClinVar variation 490934 (VCV000490934.20), dbSNP rs748867360, ClinGen allele CA64779960.